The following is an entry in ClinVar:

ClinVar aggregate classification (germline): Pathogenic (1 of 4 stars; one submission).

Conditions:
Hereditary insensitivity to pain with anhidrosis (CIPA). Also called: NEUROPATHY, CONGENITAL SENSORY, WITH ANHIDROSIS; INSENSITIVITY TO PAIN, CONGENITAL, WITH ANHIDROSIS; FAMILIAL DYSAUTONOMIA, TYPE II; NTRK1 Congenital Insensitivity to Pain with Anhidrosis; hereditary sensory and autonomic neuropathy type 4; HSAN Type IV. Identifiers: Orphanet 642, MedGen C0020074, MONDO:0009746, OMIM 256800.

Submission:

Myriad Genetics, Inc.
Classification: Pathogenic for Hereditary insensitivity to pain with anhidrosis. Last evaluated: 2026-06-10. Review status: criteria provided, single submitter. Criteria: Myriad Autosomal Dominant, Autosomal Recessive and X-Linked Classification Criteria (2023). Collection method: clinical testing. Allele origin: unknown.
Comment: NM_002529.3(NTRK1):c.36G>A(W12*) is a nonsense variant classified as pathogenic in the context of congenital insensitivity to pain with anhidrosis, NTRK1-related. W12* has been observed in a case with relevant disease (PMID: 31857517). Relevant functional assessments of this variant are not available in the literature. W12* has been observed in referenced population frequency databases. In summary, NM_002529.3(NTRK1):c.36G>A(W12*) is a nonsense variant in a gene where loss of function is a known mechanism of disease, is predicted to disrupt protein function, and has been observed more frequently in cases with the relevant disease than in healthy populations. Please note: this variant was assessed in the context of healthy population screening.

Literature cited by the submitters: PubMed 31857517.

NM_002529.4(NTRK1):c.36G>A (p.Trp12Ter)

Genes: NTRK1 (neurotrophic receptor tyrosine kinase 1; plus strand), LOC129931648 (ATAC-STARR-seq lymphoblastoid silent region 1440; plus strand). Cytogenetic location: 1q23.1.
Variant type: single nucleotide variant.
Coding change: c.36G>A on transcript NM_002529.4 (MANE Select); coding-DNA position 36, G replaced by A.
Protein change: p.Trp12Ter; replaces tryptophan 12 with a stop codon.
Molecular consequence: nonsense. On other transcripts: intron variant (1).
Genome position (GRCh38, 1-based): chr1:156,860,970, G>A. VCF-style: chr1-156860970-G-A. GRCh37 (hg19) VCF-style: chr1-156830762-G-A.
Other names: c.36G>A, p.Trp12Ter (NM_001012331.2); c.123-3384G>A (NM_001007792.1); short protein forms W12*.
Identifiers: ClinVar variation 5003737 (VCV005003737.1).